The following is an entry in ClinVar:

ClinVar aggregate classification (germline): Uncertain significance (1 of 4 stars; one submission).

Conditions:
Glycogen storage disease, type II (IOPD). Also called: Pompe Disease; GLYCOGENOSIS, GENERALIZED, CARDIAC FORM; GSD II; Glycogen storage disease type 2; Acid maltase deficiency disease; Aglucosidase alfa. Identifiers: Orphanet 365, MedGen C0017921, MONDO:0009290, OMIM 232300.

Submission:

Labcorp Genetics (formerly Invitae), Labcorp
Classification: Uncertain significance for Glycogen storage disease, type II. Last evaluated: 2021-09-24. Review status: criteria provided, single submitter. Criteria: Invitae Variant Classification Sherloc (09022015). Collection method: clinical testing. Allele origin: germline.
Comment: This sequence change falls in intron 4 of the GAA gene. It does not directly change the encoded amino acid sequence of the GAA protein, but it affects a nucleotide within the consensus splice site of the intron. This variant is not present in population databases (ExAC no frequency). This variant has not been reported in the literature in individuals with GAA-related conditions. Nucleotide substitutions within the consensus splice site are a relatively common cause of aberrant splicing (PMID: 17576681, 9536098). Algorithms developed to predict the effect of sequence changes on RNA splicing suggest that this variant may create or strengthen a splice site, but this prediction has not been confirmed by published transcriptional studies. In summary, the available evidence is currently insufficient to determine the role of this variant in disease. Therefore, it has been classified as a Variant of Uncertain Significance.

Literature cited by the submitters: PubMed 17576681; PubMed 9536098.

NM_000152.5(GAA):c.858+5A>G

Gene: GAA (alpha glucosidase; plus strand). Cytogenetic location: 17q25.3.
Variant type: single nucleotide variant.
Coding change: c.858+5A>G on transcript NM_000152.5 (MANE Select); 5 bases into the intron after coding-DNA position 858, A replaced by G.
Molecular consequence: intron variant.
Genome position (GRCh38, 1-based): chr17:80,107,727, A>G. VCF-style: chr17-80107727-A-G. GRCh37 (hg19) VCF-style: chr17-78081526-A-G.
Other names: c.858+5A>G (NM_001079803.3, NM_001079804.3).
Identifiers: ClinVar variation 1368919 (VCV001368919.5), dbSNP rs2039124887, ClinGen allele CA2277812342.